The following is an entry in ClinVar:

ClinVar aggregate classification (germline): Likely pathogenic (1 of 4 stars; one submission).

Submission:

GeneDx
Classification: Likely pathogenic. Last evaluated: 2019-10-19. Review status: criteria provided, single submitter. Criteria: GeneDx Variant Classification Process June 2021. Collection method: clinical testing. Allele origin: germline. Affected: yes.
Comment: Not observed in large population cohorts (Lek et al., 2016); In silico analysis, which includes protein predictors and evolutionary conservation, supports a deleterious effect

NM_020822.3(KCNT1):c.1061T>G (p.Met354Arg)

Gene: KCNT1 (potassium sodium-activated channel subfamily T member 1; plus strand). Cytogenetic location: 9q34.3.
Variant type: single nucleotide variant.
Coding change: c.1061T>G on transcript NM_020822.3 (MANE Select); coding-DNA position 1061, T replaced by G.
Protein change: p.Met354Arg; replaces methionine 354 with arginine.
Molecular consequence: missense variant.
Genome position (GRCh38, 1-based): chr9:135,765,056, T>G. VCF-style: chr9-135765056-T-G. GRCh37 (hg19) VCF-style: chr9-138656902-T-G.
Other names: c.926T>G, p.Met309Arg (NM_001272003.2); short protein forms M354R, M309R.
Identifiers: ClinVar variation 387864 (VCV000387864.3), dbSNP rs1057522923, ClinGen allele CA16606388.